The following is an entry in ClinVar:

NM_021067.5(GINS1):c.164G>T (p.Arg55Leu)

Gene: GINS1 (GINS complex subunit 1; plus strand). Cytogenetic location: 20p11.21.
Variant type: single nucleotide variant.
Coding change: c.164G>T on transcript NM_021067.5 (MANE Select); coding-DNA position 164, G replaced by T.
Protein change: p.Arg55Leu; replaces arginine 55 with leucine.
Molecular consequence: missense variant. On other transcripts: non-coding transcript variant (1).
Genome position (GRCh38, 1-based): chr20:25,417,127, G>T. VCF-style: chr20-25417127-G-T. GRCh37 (hg19) VCF-style: chr20-25397763-G-T.
Other names: c.164G>T, p.Arg55Leu (NM_001410830.1); short protein forms R55L.
Identifiers: ClinVar variation 2083380 (VCV002083380.7), dbSNP rs368823946, ClinGen allele CA9796445.

ClinVar aggregate classification (germline): Uncertain significance. Review status: criteria provided, multiple submitters, no conflicts (2 of 4 stars). 3 submissions from 3 submitters: Uncertain significance (3). Last evaluated 2025-10-14.

Allele frequency attached by ClinVar (database versions not stated): ESP Exome Variant Server 0.00015.
gnomAD v4.1: 9 of 1,577,608 alleles (0.00057%); highest among the groups gnomAD compares: African/African-American, 0.0054%; no homozygotes.

Submissions (3):

Labcorp Genetics (formerly Invitae), Labcorp
Classification: Uncertain significance. Last evaluated: 2025-10-14. Review status: criteria provided, single submitter. Criteria: Invitae Variant Classification Sherloc (09022015). Collection method: clinical testing. Allele origin: germline.
Comment: This sequence change replaces arginine, which is basic and polar, with leucine, which is neutral and non-polar, at codon 55 of the GINS1 protein (p.Arg55Leu). This variant is present in population databases (rs368823946, gnomAD 0.008%). This variant has not been reported in the literature in individuals affected with GINS1-related conditions. ClinVar contains an entry for this variant (Variation ID: 2083380). An algorithm developed to predict the effect of missense changes on protein structure and function (PolyPhen-2) suggests that this variant is likely to be tolerated. Algorithms developed to predict the effect of sequence changes on RNA splicing suggest that this variant may disrupt the consensus splice site. In summary, the available evidence is currently insufficient to determine the role of this variant in disease. Therefore, it has been classified as a Variant of Uncertain Significance.

Ambry Genetics
Classification: Uncertain significance. Last evaluated: 2025-02-21. Review status: criteria provided, single submitter. Criteria: Ambry Variant Classification Scheme 2023. Collection method: clinical testing. Allele origin: germline.

Blueprint Genetics
Classification: Uncertain significance. Last evaluated: 2022-08-03. Review status: criteria provided, single submitter. Criteria: ACMG Guidelines, 2015. Collection method: clinical testing. Allele origin: germline.